The following is an entry in ClinVar:

ClinVar aggregate classification (germline): Uncertain significance (1 of 4 stars; one submission).

Conditions:
Congenital muscular dystrophy due to integrin alpha-7 deficiency. Also called: MYOPATHY, CONGENITAL, DUE TO INTEGRIN ALPHA-7 DEFICIENCY; Congenital muscular dystrophy with integrin alpha-7 deficiency; Muscular dystrophy, congenital, due to ITGA7 deficiency. Identifiers: Orphanet 34520, MedGen C2750786, MONDO:0013177, OMIM 613204.

Allele frequency attached by ClinVar (database versions not stated): gnomAD exomes below 0.00001.

Submission:

Labcorp Genetics (formerly Invitae), Labcorp
Classification: Uncertain significance for Congenital muscular dystrophy due to integrin alpha-7 deficiency. Last evaluated: 2020-08-20. Review status: criteria provided, single submitter. Criteria: Invitae Variant Classification Sherloc (09022015). Collection method: clinical testing. Allele origin: germline.
Comment: This sequence change replaces histidine with arginine at codon 479 of the ITGA7 protein (p.His479Arg). The histidine residue is weakly conserved and there is a small physicochemical difference between histidine and arginine. This variant is not present in population databases (ExAC no frequency). In summary, the available evidence is currently insufficient to determine the role of this variant in disease. Therefore, it has been classified as a Variant of Uncertain Significance. Algorithms developed to predict the effect of sequence changes on RNA splicing suggest that this variant may create or strengthen a splice site, but this prediction has not been confirmed by published transcriptional studies. Algorithms developed to predict the effect of missense changes on protein structure and function (SIFT, PolyPhen-2, Align-GVGD) all suggest that this variant is likely to be tolerated, but these predictions have not been confirmed by published functional studies and their clinical significance is uncertain. This variant has not been reported in the literature in individuals with ITGA7-related conditions.

NM_002206.3(ITGA7):c.1436A>G (p.His479Arg)

Gene: ITGA7 (integrin subunit alpha 7; minus strand). Cytogenetic location: 12q13.2.
Variant type: single nucleotide variant.
Coding change: c.1436A>G on transcript NM_002206.3 (MANE Select); coding-DNA position 1436, A replaced by G.
Protein change: p.His479Arg; replaces histidine 479 with arginine.
Molecular consequence: missense variant.
Genome position (GRCh38, 1-based): chr12:55,697,520, T>C on the plus strand (A>G on the coding strand, the complement: ITGA7 is on the minus strand). VCF-style: chr12-55697520-T-C. GRCh37 (hg19) VCF-style: chr12-56091304-T-C.
Other names: c.1448A>G, p.His483Arg (NM_001144996.2, NM_001414029.1); c.1157A>G, p.His386Arg (NM_001144997.2); c.1109A>G, p.His370Arg (NM_001367993.1); c.92A>G, p.His31Arg (NM_001367994.1); c.1436A>G, p.His479Arg (NM_001374465.1, NM_001414034.1); c.1568A>G, p.His523Arg (NM_001410977.1); c.1361A>G, p.His454Arg (NM_001414030.1); c.1349A>G, p.His450Arg (NM_001414031.1); and 3 more; short protein forms H31R, H386R, H370R, H483R, H479R, H523R, H366R, H418R.
Identifiers: ClinVar variation 1041596 (VCV001041596.8), dbSNP rs1872908541, ClinGen allele CA385189363.